The following is an entry in ClinVar:

ClinVar aggregate classification (germline): Likely benign (0 of 4 stars; one submission).

Conditions:
KSR2-related disorder. Also called: KSR2-related condition.

gnomAD v4.1: 1 of 1,613,492 alleles (0.000062%); highest among the groups gnomAD compares: Non-Finnish European, 0.000085%; no homozygotes.

Submission:

PreventionGenetics, part of Exact Sciences
Classification: Likely benign for KSR2-related condition. Last evaluated: 2021-08-19. Review status: no assertion criteria provided. Collection method: clinical testing. Allele origin: germline.
Comment: This variant is classified as likely benign based on ACMG/AMP sequence variant interpretation guidelines (Richards et al. 2015 PMID: 25741868, with internal and published modifications).

NM_173598.6(KSR2):c.2317-4G>T

Gene: KSR2 (kinase suppressor of ras 2; minus strand). Cytogenetic location: 12q24.22.
Variant type: single nucleotide variant.
Coding change: c.2317-4G>T on transcript NM_173598.6 (MANE Select); 4 bases into the intron before coding-DNA position 2317, G replaced by T.
Molecular consequence: intron variant.
Genome position (GRCh38, 1-based): chr12:117,484,553, C>A on the plus strand (G>T on the coding strand, the complement: KSR2 is on the minus strand). VCF-style: chr12-117484553-C-A. GRCh37 (hg19) VCF-style: chr12-117922358-C-A.
Identifiers: ClinVar variation 3357330 (VCV003357330.1).